The following is an entry in ClinVar:

ClinVar aggregate classification (germline): Uncertain significance (0 of 4 stars; one submission).

Conditions:
MKKS-related disorder. Also called: MKKS-related condition; MKKS-related disorders.

Submission:

PreventionGenetics, part of Exact Sciences
Classification: Uncertain significance for MKKS-related condition. Last evaluated: 2024-08-07. Review status: no assertion criteria provided. Collection method: clinical testing. Allele origin: germline.
Comment: The MKKS c.1335A>C variant is predicted to result in the amino acid substitution p.Leu445Phe. To our knowledge, this variant has not been reported in the literature or in a large population database, indicating this variant is rare. At this time, the clinical significance of this variant is uncertain due to the absence of conclusive functional and genetic evidence.

NM_170784.3(MKKS):c.1335A>C (p.Leu445Phe)

Gene: MKKS (MKKS centrosomal shuttling protein; minus strand). Cytogenetic location: 20p12.2.
Variant type: single nucleotide variant.
Coding change: c.1335A>C on transcript NM_170784.3 (MANE Select); coding-DNA position 1335, A replaced by C.
Protein change: p.Leu445Phe; replaces leucine 445 with phenylalanine.
Molecular consequence: missense variant. On other transcripts: non-coding transcript variant (1).
Genome position (GRCh38, 1-based): chr20:10,405,625, T>G on the plus strand (A>C on the coding strand, the complement: MKKS is on the minus strand). VCF-style: chr20-10405625-T-G. GRCh37 (hg19) VCF-style: chr20-10386273-T-G.
Other names: c.1335A>C, p.Leu445Phe (NM_018848.3); short protein forms L445F.
Identifiers: ClinVar variation 3347562 (VCV003347562.1).